The following is an entry in ClinVar:

NM_000169.3(GLA):c.801+1G>T

Genes: GLA (galactosidase alpha; minus strand), RPL36A-HNRNPH2 (RPL36A-HNRNPH2 readthrough; plus strand). Cytogenetic location: Xq22.1.
Variant type: single nucleotide variant.
Coding change: c.801+1G>T on transcript NM_000169.3 (MANE Select); the canonical splice donor site of the intron after coding-DNA position 801, G replaced by T.
Molecular consequence: splice donor variant. On other transcripts: intron variant (2).
Genome position (GRCh38, 1-based): chrX:101,398,784, C>A on the plus strand (G>T on the coding strand, the complement: GLA is on the minus strand). VCF-style: chrX-101398784-C-A. GRCh37 (hg19) VCF-style: chrX-100653772-C-A.
Other names: NC_000023.10:g.100653772C>A; c.300+3327C>A (NM_001199973.2); c.177+6962C>A (NM_001199974.2); c.924+1G>T (NM_001406747.1); c.801+1G>T (NM_001406748.1).
Identifiers: ClinVar variation 4087222 (VCV004087222.3).

ClinVar aggregate classification (germline): Pathogenic (1 of 4 stars; one submission).

Conditions:
Fabry disease. Also called: ALPHA-GALACTOSIDASE A DEFICIENCY; ANDERSON-FABRY DISEASE; CERAMIDE TRIHEXOSIDASE DEFICIENCY; GLA DEFICIENCY; HEREDITARY DYSTOPIC LIPIDOSIS; Angiokeratoma corporis diffusum. Identifiers: Orphanet 324, MedGen C0002986, MONDO:0010526, OMIM 301500, HP:0001071. Disease mechanism: Fabry disease is due to inactivating mutations in the X-linked GLA gene resulting in deficiency of the enzyme Alpha Galactosidase-A., loss of function.

Submissions (2):

Genomenon, Inc
Classification: Pathogenic for Fabry disease. Last evaluated: 2026-09-08. Review status: criteria provided, single submitter. Criteria: Genomenon Sequence Variant Interpretation Standards - Updated. Collection method: curation. Allele origin: germline. Affected: yes.
Comment: GLA c.801+1G>T is a canonical splice variant affecting the donor splice site of intron 5. It is predicted to affect mRNA splicing, leading to a deleterious effect on the GLA protein. This variant has been observed in at least one proband with clinical features consistent with Fabry disease (PMID:31242288;16773563;38295534;33211404;38308295). The variant was found to segregate with disease in at least one affected family (PMID:16773563). Functional or patient cell studies have been reported (PMID:33211404). It is absent or not present at a significant frequency in gnomAD. In conclusion, we classify GLA c.801+1G>T as a pathogenic variant.

Dr. Peter K. Rogan Lab, Western University
No classification provided (evidence only). Condition: Thyroid cancer, nonmedullary, 1. Review status: no classification provided. Collection method: in vitro. Allele origin: not applicable. Functional consequence: retained intron. Not counted in ClinVar's aggregate classification.

Literature cited by the submitters: PubMed 31242288 (cited by Genomenon, Inc); PubMed 16773563 (cited by Genomenon, Inc); PubMed 38295534 (cited by Genomenon, Inc); PubMed 33211404 (cited by Genomenon, Inc); PubMed 38308295 (cited by Genomenon, Inc).